The following is an entry in ClinVar:

NM_004370.6(COL12A1):c.5359T>C (p.Tyr1787His)

Gene: COL12A1 (collagen type XII alpha 1 chain; minus strand). Cytogenetic location: 6q13.
Variant type: single nucleotide variant.
Coding change: c.5359T>C on transcript NM_004370.6 (MANE Select); coding-DNA position 5359, T replaced by C.
Protein change: p.Tyr1787His; replaces tyrosine 1787 with histidine.
Molecular consequence: missense variant.
Genome position (GRCh38, 1-based): chr6:75,137,472, A>G on the plus strand (T>C on the coding strand, the complement: COL12A1 is on the minus strand). VCF-style: chr6-75137472-A-G. GRCh37 (hg19) VCF-style: chr6-75847188-A-G.
Other names: c.1867T>C, p.Tyr623His (NM_080645.3); short protein forms Y623H, Y1787H.
Identifiers: ClinVar variation 2091384 (VCV002091384.4), dbSNP rs2533310654, ClinGen allele CA364737410.
Genomic context (GRCh38, chr6:75,137,472, plus strand): 5'-GTTATAATTTTTATTAAAAAATTACCGTTTGCTCATTGCCTTCCCCTGTGGAAGGCTGAT[A>G]AGTGATCCTATATTTCTGCACACGACCACTAGCAGGATCCCACTTAACAGTCAGGCTGTT-3'
Protein context (NP_004361.3, residues 1777-1797): SGRVQKYRIT[Tyr1787His]QPSTGEGNEQ

ClinVar aggregate classification (germline): Uncertain significance (1 of 4 stars; one submission).

Conditions:
Ullrich congenital muscular dystrophy 2 (UCMD2). Identifiers: Orphanet 75840, MedGen C4225314, MONDO:0014654, OMIM 616470.
Bethlem myopathy 2 (BTHLM2). Identifiers: Orphanet 536516, Orphanet 610, MedGen C4225313, MONDO:0034022, OMIM 616471.

Submission:

Labcorp Genetics (formerly Invitae), Labcorp
Classification: Uncertain significance for Bethlem myopathy 2; Ullrich congenital muscular dystrophy 2. Last evaluated: 2025-08-21. Review status: criteria provided, single submitter. Criteria: Invitae Variant Classification Sherloc (09022015). Collection method: clinical testing. Allele origin: germline.
Comment: This sequence change replaces tyrosine, which is neutral and polar, with histidine, which is basic and polar, at codon 1787 of the COL12A1 protein (p.Tyr1787His). This variant is not present in population databases (gnomAD no frequency). This variant has not been reported in the literature in individuals affected with COL12A1-related conditions. ClinVar contains an entry for this variant (Variation ID: 2091384). An algorithm developed to predict the effect of missense changes on protein structure and function outputs the following: PolyPhen-2: "Benign". The histidine amino acid residue is found in multiple mammalian species, which suggests that this missense change does not adversely affect protein function. In summary, the available evidence is currently insufficient to determine the role of this variant in disease. Therefore, it has been classified as a Variant of Uncertain Significance.